The following is an entry in ClinVar:

ClinVar aggregate classification (germline): Likely benign. Review status: criteria provided, multiple submitters, no conflicts (2 of 4 stars). 2 submissions from 2 submitters: Likely benign (2). Last evaluated 2026-03-26.

Conditions:
UNC45A-related disorder. Also called: UNC45A-related condition.

Allele frequency attached by ClinVar (database versions not stated): gnomAD exomes 0.00006 and 0.00025; ExAC 0.00031; 1000 Genomes Project 30x 0.00062; gnomAD 0.00073 and 0.00077; TOPMed 0.00076; 1000 Genomes Project 0.00080; ESP Exome Variant Server 0.00154.
gnomAD v4.1: 201 of 1,614,202 alleles (0.012%); highest among the groups gnomAD compares: African/African-American, 0.25%; no homozygotes.

Submissions (2):

PreventionGenetics, part of Exact Sciences
Classification: Likely benign for UNC45A-related condition. Last evaluated: 2026-03-26. Review status: criteria provided, single submitter. Criteria: ACMG Guidelines, 2015. Collection method: clinical testing. Allele origin: germline.
Comment: This variant is classified as likely benign based on ACMG/AMP sequence variant interpretation guidelines (Richards et al. 2015 PMID: 25741868, with internal and published modifications).

Labcorp Genetics (formerly Invitae), Labcorp
Classification: Likely benign. Last evaluated: 2026-02-01. Review status: criteria provided, single submitter. Criteria: Invitae Variant Classification Sherloc (09022015). Collection method: clinical testing. Allele origin: germline.

NM_018671.5(UNC45A):c.792G>A (p.Met264Ile)

Gene: UNC45A (unc-45 myosin chaperone A; plus strand). Cytogenetic location: 15q26.1.
Variant type: single nucleotide variant.
Coding change: c.792G>A on transcript NM_018671.5 (MANE Select); coding-DNA position 792, G replaced by A.
Protein change: p.Met264Ile; replaces methionine 264 with isoleucine.
Molecular consequence: missense variant.
Genome position (GRCh38, 1-based): chr15:90,942,541, G>A. VCF-style: chr15-90942541-G-A. GRCh37 (hg19) VCF-style: chr15-91485771-G-A.
Other names: c.747G>A, p.Met249Ile (NM_001039675.2, NM_001323621.2); c.792G>A, p.Met264Ile (NM_001323619.1); c.357G>A, p.Met119Ile (NM_001323620.2); short protein forms M119I, M249I, M264I.
Identifiers: ClinVar variation 1589548 (VCV001589548.9), dbSNP rs141749499, ClinGen allele CA7742669.